The following is an entry in ClinVar:

NM_001010892.3(RSPH4A):c.1180G>A (p.Gly394Arg)

Gene: RSPH4A (radial spoke head component 4A; plus strand). Cytogenetic location: 6q22.1.
Variant type: single nucleotide variant.
Coding change: c.1180G>A on transcript NM_001010892.3 (MANE Select); coding-DNA position 1180, G replaced by A.
Protein change: p.Gly394Arg; replaces glycine 394 with arginine.
Molecular consequence: missense variant.
Genome position (GRCh38, 1-based): chr6:116,627,887, G>A. VCF-style: chr6-116627887-G-A. GRCh37 (hg19) VCF-style: chr6-116949050-G-A.
Other names: c.1180G>A, p.Gly394Arg (NM_001161664.2); short protein forms G394R.
Identifiers: ClinVar variation 2389104 (VCV002389104.2), dbSNP rs146363206, ClinGen allele CA3970904.

ClinVar aggregate classification (germline): Uncertain significance (1 of 4 stars; one submission).

Conditions:
Primary ciliary dyskinesia. Also called: Ciliary dyskinesia. Identifiers: Orphanet 244, MedGen C0008780, MONDO:0016575, HP:0012265.

Allele frequency attached by ClinVar (database versions not stated): gnomAD exomes 0.00001; ExAC 0.00004; gnomAD 0.00009; TOPMed 0.00011; ESP Exome Variant Server 0.00031.
gnomAD v4.1: 26 of 1,613,380 alleles (0.0016%); highest among the groups gnomAD compares: African/African-American, 0.035%; no homozygotes.

Submission:

Ambry Genetics
Classification: Uncertain significance for Primary ciliary dyskinesia. Last evaluated: 2023-04-24. Review status: criteria provided, single submitter. Criteria: Ambry Variant Classification Scheme 2023. Collection method: clinical testing. Allele origin: germline.
Comment: The p.G394R variant (also known as c.1180G>A), located in coding exon 3 of the RSPH4A gene, results from a G to A substitution at nucleotide position 1180. The glycine at codon 394 is replaced by arginine, an amino acid with dissimilar properties. This amino acid position is conserved. In addition, this alteration is predicted to be tolerated by in silico analysis. Since supporting evidence is limited at this time, the clinical significance of this alteration remains unclear.